The following is an entry in ClinVar:

NM_153717.3(EVC):c.1887-122G>A

Gene: EVC (EvC ciliary complex subunit 1; plus strand). Cytogenetic location: 4p16.2.
Variant type: single nucleotide variant.
Coding change: c.1887-122G>A on transcript NM_153717.3 (MANE Select); 122 bases into the intron before coding-DNA position 1887, G replaced by A.
Molecular consequence: intron variant.
Genome position (GRCh38, 1-based): chr4:5,796,900, G>A. VCF-style: chr4-5796900-G-A. GRCh37 (hg19) VCF-style: chr4-5798627-G-A.
Other names: c.1887-122G>A (NM_001306090.2).
Identifiers: ClinVar variation 669968 (VCV000669968.2), dbSNP rs2291152, ClinGen allele CA11634314.

ClinVar aggregate classification (germline): Benign. Review status: criteria provided, multiple submitters, no conflicts (2 of 4 stars). 2 submissions from 2 submitters: Benign (2). Last evaluated 2018-06-14.

Allele frequency attached by ClinVar (database versions not stated): 1000 Genomes Project 0.24301; 1000 Genomes Project 30x 0.25422; TOPMed 0.31928; gnomAD 0.31976 and 0.33022.
gnomAD v4.1: 219,529 of 780,326 alleles (28%); highest among the groups gnomAD compares: African/African-American, 41%; 33,755 homozygotes.

Submissions (2):

GeneDx
Classification: Benign. Last evaluated: 2018-06-14. Review status: criteria provided, single submitter. Criteria: GeneDx Variant Classification (06012015). Collection method: clinical testing. Allele origin: germline. Affected: yes.
Comment: This variant is considered likely benign or benign based on one or more of the following criteria: it is a conservative change, it occurs at a poorly conserved position in the protein, it is predicted to be benign by multiple in silico algorithms, and/or has population frequency not consistent with disease.

Breakthrough Genomics
Classification: Benign. Review status: criteria provided, single submitter. Criteria: ACMG Guidelines, 2015. Collection method: not provided. Allele origin: germline. Inheritance: Autosomal recessive inheritance. Affected: yes.